The following is an entry in ClinVar:

ClinVar aggregate classification (germline): Uncertain significance (1 of 4 stars; one submission).

Submission:

GeneDx
Classification: Uncertain significance. Last evaluated: 2020-08-04. Review status: criteria provided, single submitter. Criteria: GeneDx Variant Classification Process June 2021. Collection method: clinical testing. Allele origin: germline. Affected: yes.
Comment: Not observed in large population cohorts (Lek et al., 2016); In silico analysis supports that this missense variant has a deleterious effect on protein structure/function; Has not been previously published as pathogenic or benign to our knowledge

NM_001081550.2(THOC2):c.1592C>T (p.Thr531Ile)

Gene: THOC2 (THO complex subunit 2; minus strand). Cytogenetic location: Xq25.
Variant type: single nucleotide variant.
Coding change: c.1592C>T on transcript NM_001081550.2 (MANE Select); coding-DNA position 1592, C replaced by T.
Protein change: p.Thr531Ile; replaces threonine 531 with isoleucine.
Molecular consequence: missense variant.
Genome position (GRCh38, 1-based): chrX:123,644,644, G>A on the plus strand (C>T on the coding strand, the complement: THOC2 is on the minus strand). VCF-style: chrX-123644644-G-A. GRCh37 (hg19) VCF-style: chrX-122778495-G-A.
Other names: short protein forms T531I.
Identifiers: ClinVar variation 1313511 (VCV001313511.2), dbSNP rs2147702868, ClinGen allele CA414269452.